The following is an entry in ClinVar:

ClinVar aggregate classification (germline): Uncertain significance (1 of 4 stars; one submission).

Conditions:
Febrile seizures, familial, 11 (FEB11). Also called: CONVULSIONS, FAMILIAL FEBRILE, 11. Identifiers: MedGen C3280734, MONDO:0024566, OMIM 614418.

Allele frequency attached by ClinVar (database versions not stated): TOPMed 0.00001; ExAC 0.00002; gnomAD exomes 0.00002.
gnomAD v4.1: 9 of 1,613,248 alleles (0.00056%); highest among the groups gnomAD compares: East Asian, 0.0045%; no homozygotes.

Submission:

Labcorp Genetics (formerly Invitae), Labcorp
Classification: Uncertain significance for Febrile seizures, familial, 11. Last evaluated: 2019-09-15. Review status: criteria provided, single submitter. Criteria: Invitae Variant Classification Sherloc (09022015). Collection method: clinical testing. Allele origin: germline.
Comment: This sequence change replaces arginine with glutamine at codon 184 of the CPA6 protein (p.Arg184Gln). The arginine residue is moderately conserved and there is a small physicochemical difference between arginine and glutamine. This variant is present in population databases (rs768944284, ExAC 0.03%). This variant has not been reported in the literature in individuals with CPA6-related conditions. Algorithms developed to predict the effect of missense changes on protein structure and function output the following: SIFT: "Tolerated"; PolyPhen-2: "Benign"; Align-GVGD: "Class C0". The glutamine amino acid residue is found in multiple mammalian species, suggesting that this missense change does not adversely affect protein function. These predictions have not been confirmed by published functional studies and their clinical significance is uncertain. In summary, the available evidence is currently insufficient to determine the role of this variant in disease. Therefore, it has been classified as a Variant of Uncertain Significance.

NM_020361.5(CPA6):c.551G>A (p.Arg184Gln)

Gene: CPA6 (carboxypeptidase A6; minus strand). Cytogenetic location: 8q13.2.
Variant type: single nucleotide variant.
Coding change: c.551G>A on transcript NM_020361.5 (MANE Select); coding-DNA position 551, G replaced by A.
Protein change: p.Arg184Gln; replaces arginine 184 with glutamine.
Molecular consequence: missense variant.
Genome position (GRCh38, 1-based): chr8:67,506,872, C>T on the plus strand (G>A on the coding strand, the complement: CPA6 is on the minus strand). VCF-style: chr8-67506872-C-T. GRCh37 (hg19) VCF-style: chr8-68419107-C-T.
Other names: short protein forms R184Q.
Identifiers: ClinVar variation 936000 (VCV000936000.9), dbSNP rs768944284, ClinGen allele CA4772934.
Genomic context (GRCh38, chr8:67,506,872, plus strand): 5'-GCAGGACCAATCCATTCTCTTGCATGAATACCACAGTCTATCCAAACAGCTCTTTTGAGT[C>T]GTGATCGTCTGCCCAGCTGAAAACAAGAGCATTCACAGTAACCAACTCAGGCTTTTAGAT-3'
Protein context (NP_065094.3, residues 174-194): LFILKLGRRS[Arg184Gln]LKRAVWIDCG